The following is an entry in ClinVar:

NM_207361.6(FREM2):c.560C>T (p.Pro187Leu)

Gene: FREM2 (FRAS1 related extracellular matrix 2; plus strand). Cytogenetic location: 13q13.3.
Variant type: single nucleotide variant.
Coding change: c.560C>T on transcript NM_207361.6 (MANE Select); coding-DNA position 560, C replaced by T.
Protein change: p.Pro187Leu; replaces proline 187 with leucine.
Molecular consequence: missense variant.
Genome position (GRCh38, 1-based): chr13:38,687,904, C>T. VCF-style: chr13-38687904-C-T. GRCh37 (hg19) VCF-style: chr13-39262041-C-T.
Other names: short protein forms P187L.
Identifiers: ClinVar variation 882277 (VCV000882277.9), dbSNP rs200691357, ClinGen allele CA6954231.

ClinVar aggregate classification (germline): Uncertain significance. Review status: criteria provided, multiple submitters, no conflicts (2 of 4 stars). 5 submissions from 5 submitters: Uncertain significance (4). 1 of the submissions does not count toward it. Last evaluated 2024-11-18.

Conditions:
Fraser syndrome 2 (FRASRS2). Identifiers: MedGen C4540036, MONDO:0054738, OMIM 617666.
Isolated cryptophthalmia. Also called: Cryptophthalmos, unilateral or bilateral, isolated; ANKYLOBLEPHARON, SIMPLE. Identifiers: Orphanet 91396, MedGen C1852453, MONDO:0007410, OMIM 123570.

Allele frequency attached by ClinVar (database versions not stated): ESP Exome Variant Server 0.00015; 1000 Genomes Project 30x 0.00016; 1000 Genomes Project 0.00020; gnomAD exomes 0.00022 and 0.00044; TOPMed 0.00027; gnomAD 0.00032; ExAC 0.00036.
gnomAD v4.1: 673 of 1,591,790 alleles (0.042%); highest among the groups gnomAD compares: Non-Finnish European, 0.05%; no homozygotes.

Submissions (5):

Blueprint Genetics
Classification: Uncertain significance. Last evaluated: 2024-11-18. Review status: criteria provided, single submitter. Criteria: ACMG Guidelines, 2015. Collection method: clinical testing. Allele origin: germline.

Fulgent Genetics
Classification: Uncertain significance for Isolated cryptophthalmia; Fraser syndrome 2. Last evaluated: 2024-05-21. Review status: criteria provided, single submitter. Criteria: ACMG Guidelines, 2015. Collection method: clinical testing. Allele origin: germline.

Labcorp Genetics (formerly Invitae), Labcorp
Classification: Uncertain significance. Last evaluated: 2022-10-26. Review status: criteria provided, single submitter. Criteria: Invitae Variant Classification Sherloc (09022015). Collection method: clinical testing. Allele origin: germline.
Comment: This sequence change replaces proline, which is neutral and non-polar, with leucine, which is neutral and non-polar, at codon 187 of the FREM2 protein (p.Pro187Leu). This variant is present in population databases (rs200691357, gnomAD 0.1%). This missense change has been observed in individual(s) with clinical features of Fraser syndrome (PMID: 24115501). ClinVar contains an entry for this variant (Variation ID: 882277). Algorithms developed to predict the effect of missense changes on protein structure and function are either unavailable or do not agree on the potential impact of this missense change (SIFT: "Deleterious"; PolyPhen-2: "Possibly Damaging"; Align-GVGD: "Class C0"). In summary, the available evidence is currently insufficient to determine the role of this variant in disease. Therefore, it has been classified as a Variant of Uncertain Significance.

Illumina Laboratory Services, Illumina
Classification: Uncertain significance for Fraser syndrome 2. Last evaluated: 2017-04-28. Review status: criteria provided, single submitter. Criteria: ICSL Variant Classification Criteria 13 December 2019. Collection method: clinical testing. Allele origin: germline.
Comment: This variant was observed as part of a predisposition screen in an ostensibly healthy population. A literature search was performed for the gene, cDNA change, and amino acid change (where applicable). Publications were found based on this search. However, the evidence from the literature, in combination with allele frequency data from public databases where available, was not sufficient to rule this variant in or out of causing disease. Therefore, this variant is classified as a variant of unknown significance.

Department of Pathology and Laboratory Medicine, Sinai Health System
Classification: Uncertain significance. Review status: no assertion criteria provided. Collection method: clinical testing. Allele origin: unknown. Affected: yes. Study: The Canadian Open Genetics Repository (COGR). Not counted in ClinVar's aggregate classification.
Comment: The FREM2 p.Pro187Leu variant was identified in 1 of 22 proband chromosomes (frequency: 0.045) from patients with Ablepharon macrostomia syndrome; the phenotype of the patient with this variant also included ablepharon, abnormal pinnae and microtia, deafness, macrostomia, hypoplastic scrotum and syndactyly (Schanze_2013_PMID:24115501). The variant was identified in dbSNP (ID: rs200691357) but was not identified in ClinVar. The variant was identified in control databases in 55 of 243936 chromosomes at a frequency of 0.0002255 (Genome Aggregation Database March 6, 2019, v2.1.1). The variant was observed in the following populations: Ashkenazi Jewish in 11 of 9514 chromosomes (freq: 0.001156), European (non-Finnish) in 36 of 107434 chromosomes (freq: 0.000335), Other in 1 of 6466 chromosomes (freq: 0.000155), African in 3 of 21744 chromosomes (freq: 0.000138), European (Finnish) in 3 of 21928 chromosomes (freq: 0.000137) and Latino in 1 of 31746 chromosomes (freq: 0.000032), but was not observed in the East Asian or South Asian populations. The p.Pro187 residue is conserved in mammals and computational analyses (PolyPhen-2, SIFT, AlignGVGD, BLOSUM, MutationTaster) suggest that the variant may impact the protein; however this information is not predictive enough to assume pathogenicity. The variant occurs outside of the splicing consensus sequence and in silico or computational prediction software programs (SpliceSiteFinder, MaxEntScan, NNSPLICE, GeneSplicer) do not predict a difference in splicing. In summary, based on the above information the clinical significance of this variant cannot be determined with certainty at this time. This variant is classified as a variant of uncertain significance.

Literature cited by the submitters: PubMed 24115501 (cited by Labcorp Genetics (formerly Invitae), Labcorp and Illumina Laboratory Services, Illumina).